The following is an entry in ClinVar:

ClinVar aggregate classification (germline): Uncertain significance (1 of 4 stars; one submission).

Conditions:
Familial thoracic aortic aneurysm and aortic dissection (TAAD). Also called: Thoracic aortic aneurysms and dissections. Identifiers: Orphanet 91387, MedGen C4707243, MONDO:0019625.

Submission:

Color Diagnostics, LLC DBA Color Health
Classification: Uncertain significance for Familial thoracic aortic aneurysm and aortic dissection. Last evaluated: 2024-03-06. Review status: criteria provided, single submitter. Criteria: ACMG Guidelines, 2015. Collection method: clinical testing. Allele origin: germline.
Comment: This missense variant replaces isoleucine with valine at codon 253 of the MYH11 protein. Computational prediction tool suggests that this variant may have deleterious impact on protein structure and function (internally defined REVEL score threshold >=0.7, PMID: 27666373). Splice site prediction tools suggest that this variant may not impact RNA splicing. To our knowledge, functional studies have not been performed for this variant. This variant has not been reported in individuals affected with cardiovascular disorders in the literature. This variant has not been identified in the general population by the Genome Aggregation Database (gnomAD). The available evidence is insufficient to determine the role of this variant in disease conclusively. Therefore, this variant is classified as a Variant of Uncertain Significance.

NM_002474.3(MYH11):c.736A>G (p.Ile246Val)

Gene: MYH11 (myosin heavy chain 11; minus strand). Cytogenetic location: 16p13.11.
Variant type: single nucleotide variant.
Coding change: c.736A>G on transcript NM_002474.3 (MANE Select); coding-DNA position 736, A replaced by G.
Protein change: p.Ile246Val; replaces isoleucine 246 with valine.
Molecular consequence: missense variant.
Genome position (GRCh38, 1-based): chr16:15,778,834, T>C on the plus strand (A>G on the coding strand, the complement: MYH11 is on the minus strand). VCF-style: chr16-15778834-T-C. GRCh37 (hg19) VCF-style: chr16-15872691-T-C.
Other names: c.757A>G, p.Ile253Val (NM_001040113.2, NM_001040114.2); c.736A>G, p.Ile246Val (NM_022844.3); short protein forms I246V, I253V.
Identifiers: ClinVar variation 924113 (VCV000924113.4), dbSNP rs2042283446, ClinGen allele CA394870185.
Genomic context (GRCh38, chr16:15,778,834, plus strand): 5'-GGATACAGGTCTCAATGTTGGCTCCCACGATGTAACCCGTGACGTCGAAGTTGATGCGGA[T>C]GAATTTGCCCTGCCAACAGGAAAACACAGTTCAGGCTTTGCTGCCCAACTTCAGCCGTTA-3'
Protein context (NP_002465.1, residues 236-256): NDNSSRFGKF[Ile246Val]RINFDVTGYI